The following is an entry in ClinVar:

NM_173354.5(SIK1):c.499+4C>G

Gene: SIK1 (salt inducible kinase 1; minus strand). Cytogenetic location: 21q22.3.
Variant type: single nucleotide variant.
Coding change: c.499+4C>G on transcript NM_173354.5 (MANE Select); 4 bases into the intron after coding-DNA position 499, C replaced by G.
Molecular consequence: intron variant.
Genome position (GRCh38, 1-based): chr21:43,421,634, G>C on the plus strand (C>G on the coding strand, the complement: SIK1 is on the minus strand). VCF-style: chr21-43421634-G-C. GRCh37 (hg19) VCF-style: chr21-44841514-G-C.
Identifiers: ClinVar variation 2795242 (VCV002795242.3), dbSNP rs558742499, ClinGen allele CA2739267703.

ClinVar aggregate classification (germline): Uncertain significance (1 of 4 stars; one submission).

Conditions:
Developmental and epileptic encephalopathy, 30 (DEE30). Also called: Epileptic encephalopathy, early infantile, 30. Identifiers: MedGen C4225360, MONDO:0014595, OMIM 616341.

Submission:

Labcorp Genetics (formerly Invitae), Labcorp
Classification: Uncertain significance for Developmental and epileptic encephalopathy, 30. Last evaluated: 2022-11-24. Review status: criteria provided, single submitter. Criteria: Invitae Variant Classification Sherloc (09022015). Collection method: clinical testing. Allele origin: germline.
Comment: In summary, the available evidence is currently insufficient to determine the role of this variant in disease. Therefore, it has been classified as a Variant of Uncertain Significance. This sequence change falls in intron 5 of the SIK1 gene. It does not directly change the encoded amino acid sequence of the SIK1 protein. It affects a nucleotide within the consensus splice site. This variant is not present in population databases (gnomAD no frequency). This variant has not been reported in the literature in individuals affected with SIK1-related conditions. Variants that disrupt the consensus splice site are a relatively common cause of aberrant splicing (PMID: 17576681, 9536098). Algorithms developed to predict the effect of sequence changes on RNA splicing suggest that this variant may disrupt the consensus splice site.

Literature cited by the submitters: PubMed 17576681; PubMed 9536098.